The following is an entry in ClinVar:

ClinVar aggregate classification (germline): Uncertain significance (1 of 4 stars; one submission).

gnomAD v4.1: 8 of 1,611,000 alleles (0.0005%); highest among the groups gnomAD compares: South Asian, 0.0011%; no homozygotes.

Submission:

Labcorp Genetics (formerly Invitae), Labcorp
Classification: Uncertain significance. Last evaluated: 2024-10-08. Review status: criteria provided, single submitter. Criteria: Invitae Variant Classification Sherloc (09022015). Collection method: clinical testing. Allele origin: germline.
Comment: This sequence change replaces arginine, which is basic and polar, with cysteine, which is neutral and slightly polar, at codon 755 of the OPA1 protein (p.Arg755Cys). This variant is not present in population databases (gnomAD no frequency). This variant has not been reported in the literature in individuals affected with OPA1-related conditions. ClinVar contains an entry for this variant (Variation ID: 1932415). Invitae Evidence Modeling of protein sequence and biophysical properties (such as structural, functional, and spatial information, amino acid conservation, physicochemical variation, residue mobility, and thermodynamic stability) indicates that this missense variant is not expected to disrupt OPA1 protein function with a negative predictive value of 80%. In summary, the available evidence is currently insufficient to determine the role of this variant in disease. Therefore, it has been classified as a Variant of Uncertain Significance.

NM_130837.3(OPA1):c.2428C>T (p.Arg810Cys)

Gene: OPA1 (OPA1 mitochondrial dynamin like GTPase; plus strand). Cytogenetic location: 3q29.
Variant type: single nucleotide variant.
Coding change: c.2428C>T on transcript NM_130837.3 (MANE Select); coding-DNA position 2428, C replaced by T.
Protein change: p.Arg810Cys; replaces arginine 810 with cysteine.
Molecular consequence: missense variant.
Genome position (GRCh38, 1-based): chr3:193,658,983, C>T. VCF-style: chr3-193658983-C-T. GRCh37 (hg19) VCF-style: chr3-193376772-C-T.
Other names: c.2374C>T, p.Arg792Cys (NM_130836.3); c.1894C>T, p.Arg632Cys (NM_001354663.2); c.1891C>T, p.Arg631Cys (NM_001354664.2); c.2263C>T, p.Arg755Cys (NM_015560.3); c.2155C>T, p.Arg719Cys (NM_130831.3); c.2209C>T, p.Arg737Cys (NM_130832.3); c.2266C>T, p.Arg756Cys (NM_130833.3); c.2317C>T, p.Arg773Cys (NM_130834.3); and 1 more; short protein forms R631C, R774C, R632C, R773C, R719C, R755C, R756C, R737C.
Identifiers: ClinVar variation 1932415 (VCV001932415.5), dbSNP rs1257694738, ClinGen allele CA355792053.